The following is an entry in ClinVar:

NM_005251.3(FOXC2):c.440C>T (p.Thr147Ile)

Gene: FOXC2 (forkhead box C2; plus strand). Cytogenetic location: 16q24.1.
Variant type: single nucleotide variant.
Coding change: c.440C>T on transcript NM_005251.3 (MANE Select); coding-DNA position 440, C replaced by T.
Protein change: p.Thr147Ile; replaces threonine 147 with isoleucine.
Molecular consequence: missense variant.
Genome position (GRCh38, 1-based): chr16:86,567,775, C>T. VCF-style: chr16-86567775-C-T. GRCh37 (hg19) VCF-style: chr16-86601381-C-T.
Other names: short protein forms T147I.
Identifiers: ClinVar variation 2381674 (VCV002381674.6), dbSNP rs201189554, ClinGen allele CA8218326.

ClinVar aggregate classification (germline): Uncertain significance. Review status: criteria provided, multiple submitters, no conflicts (2 of 4 stars). 2 submissions from 2 submitters: Uncertain significance (2). Last evaluated 2025-06-12.

Conditions:
Inborn genetic diseases. Identifiers: MedGen C0950123, MeSH D030342.

Allele frequency attached by ClinVar (database versions not stated): gnomAD 0.00002; TOPMed 0.00004; gnomAD exomes 0.00002; 1000 Genomes Project 0.00020; ExAC 0.00002; 1000 Genomes Project 30x 0.00016.

Submissions (2):

Labcorp Genetics (formerly Invitae), Labcorp
Classification: Uncertain significance. Last evaluated: 2025-06-12. Review status: criteria provided, single submitter. Criteria: Invitae Variant Classification Sherloc (09022015). Collection method: clinical testing. Allele origin: germline.
Comment: This sequence change replaces threonine, which is neutral and polar, with isoleucine, which is neutral and non-polar, at codon 147 of the FOXC2 protein (p.Thr147Ile). This variant is present in population databases (rs201189554, gnomAD 0.03%). This variant has not been reported in the literature in individuals affected with FOXC2-related conditions. ClinVar contains an entry for this variant (Variation ID: 2381674). An algorithm developed to predict the effect of missense changes on protein structure and function (PolyPhen-2) suggests that this variant is likely to be disruptive. In summary, the available evidence is currently insufficient to determine the role of this variant in disease. Therefore, it has been classified as a Variant of Uncertain Significance.

Ambry Genetics
Classification: Uncertain significance for Inborn genetic diseases. Last evaluated: 2025-03-08. Review status: criteria provided, single submitter. Criteria: Ambry Variant Classification Scheme 2023. Collection method: clinical testing. Allele origin: germline.